The following is an entry in ClinVar:

NM_002439.5(MSH3):c.3157G>T (p.Val1053Phe)

Gene: MSH3 (mutS homolog 3; plus strand). Cytogenetic location: 5q14.1.
Variant type: single nucleotide variant.
Coding change: c.3157G>T on transcript NM_002439.5 (MANE Select); coding-DNA position 3157, G replaced by T.
Protein change: p.Val1053Phe; replaces valine 1053 with phenylalanine.
Molecular consequence: missense variant.
Genome position (GRCh38, 1-based): chr5:80,873,142, G>T. VCF-style: chr5-80873142-G-T. GRCh37 (hg19) VCF-style: chr5-80168961-G-T.
Other names: c.3157G>T (NM_002439.3); short protein forms V1053F.
Identifiers: ClinVar variation 2133960 (VCV002133960.5), dbSNP rs1746250271, ClinGen allele CA360346838.

ClinVar aggregate classification (germline): Uncertain significance. Review status: criteria provided, multiple submitters, no conflicts (2 of 4 stars). 2 submissions from 2 submitters: Uncertain significance (2). Last evaluated 2026-07-07.

Conditions:
Hereditary cancer-predisposing syndrome. Also called: Tumor predisposition; Hereditary Cancer Syndrome; Hereditary neoplastic syndrome; Neoplastic Syndromes, Hereditary. Identifiers: Orphanet 140162, MedGen C0027672, MeSH D009386, MONDO:0015356.

Submissions (2):

Ambry Genetics
Classification: Uncertain significance for Hereditary cancer-predisposing syndrome. Last evaluated: 2026-07-07. Review status: criteria provided, single submitter. Criteria: Ambry Variant Classification Scheme 2023. Collection method: clinical testing. Allele origin: germline.
Comment: The p.V1053F variant (also known as c.3157G>T), located in coding exon 23 of the MSH3 gene, results from a G to T substitution at nucleotide position 3157. The valine at codon 1053 is replaced by phenylalanine, an amino acid with highly similar properties. This amino acid position is conserved. In addition, this alteration is predicted to be deleterious by in silico analysis. Based on the available evidence, the clinical significance of this variant remains unclear.

Labcorp Genetics (formerly Invitae), Labcorp
Classification: Uncertain significance. Last evaluated: 2025-05-28. Review status: criteria provided, single submitter. Criteria: Invitae Variant Classification Sherloc (09022015). Collection method: clinical testing. Allele origin: germline.
Comment: This sequence change replaces valine, which is neutral and non-polar, with phenylalanine, which is neutral and non-polar, at codon 1053 of the MSH3 protein (p.Val1053Phe). This variant is not present in population databases (gnomAD no frequency). This variant has not been reported in the literature in individuals affected with MSH3-related conditions. ClinVar contains an entry for this variant (Variation ID: 2133960). An algorithm developed to predict the effect of missense changes on protein structure and function (PolyPhen-2) suggests that this variant is likely to be disruptive. In summary, the available evidence is currently insufficient to determine the role of this variant in disease. Therefore, it has been classified as a Variant of Uncertain Significance.